The following is an entry in ClinVar:

NM_001853.4(COL9A3):c.93CGGCCCCCC[3] (p.Gly41_Lys42insProProGly)

Gene: COL9A3 (collagen type IX alpha 3 chain; plus strand). Cytogenetic location: 20q13.33.
Variant type: Microsatellite.
Coding change: c.93CGGCCCCCC[3] on transcript NM_001853.4 (MANE Select); three copies in a row of the 9-base unit CGGCCCCCC starting at c.93; the reference has two copies in a row; one copy, 9 bases duplicated.
Protein change: p.Gly41_Lys42insProProGly.
Molecular consequence: inframe insertion.
Genome position (GRCh38, 1-based): chr20:62,817,590-62,817,598, CGGCCCCCC duplicated; duplicating any 9 consecutive bases within chr20:62,817,578-62,817,598 gives the same sequence; the position shown is the placement nearest the transcript's 3' end. VCF-style (leftmost placement, unchanged base first): chr20-62817577-T-TCCCCGGCCC. GRCh37 (hg19) VCF-style: chr20-61448929-T-TCCCCGGCCC.
Identifiers: ClinVar variation 2847862 (VCV002847862.3), dbSNP rs544133282, ClinGen allele CA2653706999.
Genomic context (GRCh38, chr20:62,817,577, plus strand): 5'-TCAGGCCCACGGGGGCACCTGCGCTCCTTAATGAGTTTTCTCCGTTTCAGAGAGTGGGAC[T>TCCCCGGCCC]CCCCGGCCCCCCCGGCCCCCCAGGGCCGCCCGGGAAGCCCGGCCAGGACGGCATTGACGT-3'

ClinVar aggregate classification (germline): Uncertain significance (1 of 4 stars; one submission).

Submission:

Labcorp Genetics (formerly Invitae), Labcorp
Classification: Uncertain significance. Last evaluated: 2025-03-18. Review status: criteria provided, single submitter. Criteria: Invitae Variant Classification Sherloc (09022015). Collection method: clinical testing. Allele origin: germline.
Comment: This variant, c.102_110dup, results in the insertion of 3 amino acid(s) of the COL9A3 protein (p.Pro39_Gly41dup), but otherwise preserves the integrity of the reading frame. This variant is not present in population databases (gnomAD no frequency). This variant has not been reported in the literature in individuals affected with COL9A3-related conditions. Experimental studies and prediction algorithms are not available or were not evaluated, and the functional significance of this variant is currently unknown. In summary, the available evidence is currently insufficient to determine the role of this variant in disease. Therefore, it has been classified as a Variant of Uncertain Significance.